The following is an entry in ClinVar:

ClinVar aggregate classification (germline): Benign (1 of 4 stars; one submission).

Conditions:
Tay-Sachs disease, variant AB. Also called: GM2 Activator Deficiency; Gm2-gangliosidosis, ab variant. Identifiers: Orphanet 309246, MedGen C0268275, MONDO:0010099, OMIM 272750.

Allele frequency attached by ClinVar (database versions not stated): gnomAD 0.21159 and 0.21832; 1000 Genomes Project 30x 0.22345; TOPMed 0.22401; 1000 Genomes Project 0.22764; gnomAD exomes 0.25601.

Submission:

Illumina Laboratory Services, Illumina
Classification: Benign for Tay-Sachs disease, variant AB. Last evaluated: 2018-01-13. Review status: criteria provided, single submitter. Criteria: ICSL Variant Classification Criteria 13 December 2019. Collection method: clinical testing. Allele origin: germline.
Comment: This variant was observed in the ICSL laboratory as part of a predisposition screen in an ostensibly healthy population. It had not been previously curated by ICSL or reported in the Human Gene Mutation Database (HGMD: prior to June 1st, 2018), and was therefore a candidate for classification through an automated scoring system. Utilizing variant allele frequency, disease prevalence and penetrance estimates, and inheritance mode, an automated score was calculated to assess if this variant is too frequent to cause the disease. Based on the score and internal cut-off values, a variant classified as benign is not then subjected to further curation. The score for this variant resulted in a classification of benign for this disease.

NM_000405.5(GM2A):c.*1866C>T

Gene: GM2A (ganglioside GM2 activator; plus strand). Cytogenetic location: 5q33.1.
Variant type: single nucleotide variant.
Coding change: c.*1866C>T on transcript NM_000405.5 (MANE Select); 1866 bases downstream of the stop codon, C replaced by T.
Molecular consequence: 3 prime UTR variant.
Genome position (GRCh38, 1-based): chr5:151,269,317, C>T. VCF-style: chr5-151269317-C-T. GRCh37 (hg19) VCF-style: chr5-150648878-C-T.
Other names: c.*1677C>T (NM_001167607.3).
Identifiers: ClinVar variation 352287 (VCV000352287.5), dbSNP rs3806953, ClinGen allele CA10623820.